The following is an entry in ClinVar:

ClinVar aggregate classification (germline): Pathogenic (3 of 4 stars; one submission).

Conditions:
Breast-ovarian cancer, familial, susceptibility to, 2 (BROVCA2). Also called: BRCA2 Hereditary Breast and Ovarian Cancer. Identifiers: Orphanet 145, MedGen C2675520, MONDO:0012933, OMIM 612555. Disease mechanism: loss of function.

Submission:

Evidence-based Network for the Interpretation of Germline Mutant Alleles (ENIGMA)
Classification: Pathogenic for Breast-ovarian cancer, familial, susceptibility to, 2. Last evaluated: 2017-12-15. Review status: reviewed by expert panel. Criteria: ENIGMA BRCA1/2 Classification Criteria (2017-06-29). Collection method: curation. Allele origin: germline. Study: ENIGMA.
Comment: Variant allele predicted to encode a truncated non-functional protein.

NM_000059.4(BRCA2):c.6947_6948insTT (p.Lys2316fs)

Gene: BRCA2 (BRCA2 DNA repair associated; plus strand). Cytogenetic location: 13q13.1.
Variant type: Insertion.
Coding change: c.6947_6948insTT on transcript NM_000059.4 (MANE Select); coding-DNA positions 6947 to 6948, TT inserted.
Protein change: p.Lys2316fs; shifts the reading frame from lysine 2316.
Molecular consequence: frameshift variant.
Genome position: GRCh38 VCF-style: chr13-32346836-A-ATT. GRCh37 (hg19) VCF-style: chr13-32920973-A-ATT.
Other names: short protein forms K2316fs.
Identifiers: ClinVar variation 548357 (VCV000548357.1), dbSNP rs1555285331, ClinGen allele CA658823659.